The following is an entry in ClinVar:

NM_024675.4(PALB2):c.2966del (p.Val989fs)

Gene: PALB2 (partner and localizer of BRCA2; minus strand). Cytogenetic location: 16p12.2.
Variant type: Deletion.
Coding change: c.2966del on transcript NM_024675.4 (MANE Select); coding-DNA position 2966, one base deleted (T; older notation c.2966delT).
Protein change: p.Val989fs; shifts the reading frame from valine 989.
Molecular consequence: frameshift variant.
Genome position (GRCh38, 1-based): chr16:23,622,999, A deleted on the plus strand (T on the coding strand, the reverse complement: PALB2 is on the minus strand). VCF-style (leftmost placement, unchanged base first): chr16-23622998-TA-T. GRCh37 (hg19) VCF-style: chr16-23634319-TA-T.
Other names: short protein forms V989fs.
Identifiers: ClinVar variation 1354554 (VCV001354554.7), dbSNP rs2142334934, ClinGen allele CA2573152151.

ClinVar aggregate classification (germline): Pathogenic (1 of 4 stars; one submission).

Conditions:
Familial cancer of breast. Also called: hereditary breast carcinoma; Hereditary breast cancer; BREAST CANCER, FAMILIAL. Identifiers: Orphanet 227535, MedGen C0346153, MONDO:0016419, OMIM 114480. Disease mechanism: loss of function.

Submission:

Labcorp Genetics (formerly Invitae), Labcorp
Classification: Pathogenic for Familial cancer of breast. Last evaluated: 2021-04-08. Review status: criteria provided, single submitter. Criteria: Invitae Variant Classification Sherloc (09022015). Collection method: clinical testing. Allele origin: germline.
Comment: For these reasons, this variant has been classified as Pathogenic. Algorithms developed to predict the effect of sequence changes on RNA splicing suggest that this variant may create or strengthen a splice site, but this prediction has not been confirmed by published transcriptional studies. This variant has not been reported in the literature in individuals with PALB2-related conditions. This variant is not present in population databases (ExAC no frequency). This sequence change creates a premature translational stop signal (p.Val989Glufs*4) in the PALB2 gene. It is expected to result in an absent or disrupted protein product. Loss-of-function variants in PALB2 are known to be pathogenic (PMID: 17200668, 24136930, 25099575).

Literature cited by the submitters: PubMed 17200668; PubMed 24136930; PubMed 25099575.